The following is an entry in ClinVar:

ClinVar aggregate classification (germline): Uncertain significance (1 of 4 stars; one submission).

Submission:

GeneDx
Classification: Uncertain significance. Last evaluated: 2022-12-28. Review status: criteria provided, single submitter. Criteria: GeneDx Variant Classification Process June 2021. Collection method: clinical testing. Allele origin: germline. Affected: yes.
Comment: Not observed at significant frequency in large population cohorts (gnomAD); In silico analysis supports that this missense variant has a deleterious effect on protein structure/function; Has not been previously published as pathogenic or benign to our knowledge

NM_014991.6(WDFY3):c.9100G>A (p.Ala3034Thr)

Genes: WDFY3 (WD repeat and FYVE domain containing 3; minus strand), LOC126807101 (CDK7 strongly-dependent group 2 enhancer GRCh37_chr4:85612241-85613440; plus strand). Cytogenetic location: 4q21.23.
Variant type: single nucleotide variant.
Coding change: c.9100G>A on transcript NM_014991.6 (MANE Select); coding-DNA position 9100, G replaced by A.
Protein change: p.Ala3034Thr; replaces alanine 3034 with threonine.
Molecular consequence: missense variant.
Genome position (GRCh38, 1-based): chr4:84,691,735, C>T on the plus strand (G>A on the coding strand, the complement: WDFY3 is on the minus strand). VCF-style: chr4-84691735-C-T. GRCh37 (hg19) VCF-style: chr4-85612888-C-T.
Other names: short protein forms A3034T.
Identifiers: ClinVar variation 2572673 (VCV002572673.1), dbSNP rs2530775811, ClinGen allele CA357537722.